The following is an entry in ClinVar:

ClinVar aggregate classification (germline): Uncertain significance (1 of 4 stars; one submission).

Conditions:
DUOX2-related disorder. Also called: DUOX2-related condition.

Submission:

PreventionGenetics, part of Exact Sciences
Classification: Uncertain significance for DUOX2-related condition. Last evaluated: 2024-10-25. Review status: criteria provided, single submitter. Criteria: ACMG Guidelines, 2015. Collection method: clinical testing. Allele origin: germline.
Comment: The DUOX2 c.2390A>T variant is predicted to result in the amino acid substitution p.Lys797Met. To our knowledge, this variant has not been reported in the literature or in a large population database (gnomAD), indicating this variant is rare. At this time, the clinical significance of this variant is uncertain due to the absence of conclusive functional and genetic evidence.

NM_001363711.2(DUOX2):c.2390A>T (p.Lys797Met)

Gene: DUOX2 (dual oxidase 2; minus strand). Cytogenetic location: 15q21.1.
Variant type: single nucleotide variant.
Coding change: c.2390A>T on transcript NM_001363711.2 (MANE Select); coding-DNA position 2390, A replaced by T.
Protein change: p.Lys797Met; replaces lysine 797 with methionine.
Molecular consequence: missense variant.
Genome position (GRCh38, 1-based): chr15:45,104,310, T>A on the plus strand (A>T on the coding strand, the complement: DUOX2 is on the minus strand). VCF-style: chr15-45104310-T-A. GRCh37 (hg19) VCF-style: chr15-45396508-T-A.
Other names: c.2390A>T, p.Lys797Met (NM_014080.5); short protein forms K797M.
Identifiers: ClinVar variation 5000572 (VCV005000572.1).
Genomic context (GRCh38, chr15:45,104,310, plus strand): 5'-AGGCCCAGGGACTCGGCAAACTCGGCCCTGCTCAGCTCGCAGGTCAGGGCCTCCCGCACC[T>A]TCTGGGAGGAGTCCAGGGGCAGGGTCCCTGCGTCGGCCTGGTTGATGTCCAGCACCTGCA-3'
Protein context (NP_001350640.1, residues 787-807): AGTLPLDSSQ[Lys797Met]VREALTCELS